The following is an entry in ClinVar:

NM_000553.6(WRN):c.2524C>T (p.Pro842Ser)

Gene: WRN (WRN RecQ like helicase; plus strand). Cytogenetic location: 8p12.
Variant type: single nucleotide variant.
Coding change: c.2524C>T on transcript NM_000553.6 (MANE Select); coding-DNA position 2524, C replaced by T.
Protein change: p.Pro842Ser; replaces proline 842 with serine.
Molecular consequence: missense variant.
Genome position (GRCh38, 1-based): chr8:31,120,318, C>T. VCF-style: chr8-31120318-C-T. GRCh37 (hg19) VCF-style: chr8-30977834-C-T.
Other names: short protein forms P842S.
Identifiers: ClinVar variation 839497 (VCV000839497.4), dbSNP rs1801675024, ClinGen allele CA370915425.

ClinVar aggregate classification (germline): Uncertain significance (1 of 4 stars; one submission).

Conditions:
Werner syndrome (WRN). Identifiers: Orphanet 902, MedGen C0043119, MONDO:0010196, OMIM 277700.

gnomAD v4.1: 2 of 1,612,872 alleles (0.00012%); highest among the groups gnomAD compares: Non-Finnish European, 0.00017%; no homozygotes.

Submission:

Labcorp Genetics (formerly Invitae), Labcorp
Classification: Uncertain significance for Werner syndrome. Last evaluated: 2022-03-05. Review status: criteria provided, single submitter. Criteria: Invitae Variant Classification Sherloc (09022015). Collection method: clinical testing. Allele origin: germline.
Comment: This sequence change replaces proline, which is neutral and non-polar, with serine, which is neutral and polar, at codon 842 of the WRN protein (p.Pro842Ser). This variant is not present in population databases (gnomAD no frequency). This variant has not been reported in the literature in individuals affected with WRN-related conditions. ClinVar contains an entry for this variant (Variation ID: 839497). Algorithms developed to predict the effect of missense changes on protein structure and function are either unavailable or do not agree on the potential impact of this missense change (SIFT: "Not Available"; PolyPhen-2: "Probably Damaging"; Align-GVGD: "Not Available"). In summary, the available evidence is currently insufficient to determine the role of this variant in disease. Therefore, it has been classified as a Variant of Uncertain Significance.